The following is an entry in ClinVar:

NM_001792.5(CDH2):c.281C>T (p.Pro94Leu)

Gene: CDH2 (cadherin 2; minus strand). Cytogenetic location: 18q12.1.
Variant type: single nucleotide variant.
Coding change: c.281C>T on transcript NM_001792.5 (MANE Select); coding-DNA position 281, C replaced by T.
Protein change: p.Pro94Leu; replaces proline 94 with leucine.
Molecular consequence: missense variant.
Genome position (GRCh38, 1-based): chr18:28,013,801, G>A on the plus strand (C>T on the coding strand, the complement: CDH2 is on the minus strand). VCF-style: chr18-28013801-G-A. GRCh37 (hg19) VCF-style: chr18-25593765-G-A.
Other names: c.188C>T, p.Pro63Leu (NM_001308176.2); c.281C>T (NM_001792.3); short protein forms P63L, P94L.
Identifiers: ClinVar variation 1496299 (VCV001496299.7), dbSNP rs756638795, ClinGen allele CA8923733.

ClinVar aggregate classification (germline): Uncertain significance. Review status: criteria provided, multiple submitters, no conflicts (2 of 4 stars). 2 submissions from 2 submitters: Uncertain significance (2). Last evaluated 2025-07-15.

Conditions:
Inborn genetic diseases. Identifiers: MedGen C0950123, MeSH D030342.

Allele frequency attached by ClinVar (database versions not stated): gnomAD exomes below 0.00001 and 0.00001; ExAC 0.00001; TOPMed 0.00001.
gnomAD v4.1: 7 of 1,613,936 alleles (0.00043%); highest among the groups gnomAD compares: South Asian, 0.0022%; no homozygotes.

Submissions (2):

Ambry Genetics
Classification: Uncertain significance for Inborn genetic diseases. Last evaluated: 2025-07-15. Review status: criteria provided, single submitter. Criteria: Ambry Variant Classification Scheme 2023. Collection method: clinical testing. Allele origin: germline.
Comment: The p.P94L variant (also known as c.281C>T), located in coding exon 3 of the CDH2 gene, results from a C to T substitution at nucleotide position 281. The proline at codon 94 is replaced by leucine, an amino acid with similar properties. This amino acid position is conserved. In addition, this alteration is predicted to be tolerated by in silico analysis. Based on the available evidence, the clinical significance of this variant remains unclear.

Labcorp Genetics (formerly Invitae), Labcorp
Classification: Uncertain significance. Last evaluated: 2023-05-31. Review status: criteria provided, single submitter. Criteria: Invitae Variant Classification Sherloc (09022015). Collection method: clinical testing. Allele origin: germline.
Comment: In summary, the available evidence is currently insufficient to determine the role of this variant in disease. Therefore, it has been classified as a Variant of Uncertain Significance. An algorithm developed to predict the effect of missense changes on protein structure and function (PolyPhen-2) suggests that this variant is likely to be tolerated. ClinVar contains an entry for this variant (Variation ID: 1496299). This variant has not been reported in the literature in individuals affected with CDH2-related conditions. This variant is present in population databases (rs756638795, gnomAD 0.003%). This sequence change replaces proline, which is neutral and non-polar, with leucine, which is neutral and non-polar, at codon 94 of the CDH2 protein (p.Pro94Leu).